The following is an entry in ClinVar:

NM_001253697.2(ERBIN):c.29G>A (p.Arg10Gln)

Gene: ERBIN (erbb2 interacting protein; plus strand). Cytogenetic location: 5q12.3.
Variant type: single nucleotide variant.
Coding change: c.29G>A on transcript NM_001253697.2 (MANE Select); coding-DNA position 29, G replaced by A.
Protein change: p.Arg10Gln; replaces arginine 10 with glutamine.
Molecular consequence: missense variant.
Genome position (GRCh38, 1-based): chr5:65,992,747, G>A. VCF-style: chr5-65992747-G-A. GRCh37 (hg19) VCF-style: chr5-65288575-G-A.
Other names: c.29G>A, p.Arg10Gln (NM_001006600.3, NM_001253698.2, NM_001253699.2 and 2 more transcripts); short protein forms R10Q.
Identifiers: ClinVar variation 1499632 (VCV001499632.8), dbSNP rs747569024, ClinGen allele CA3285814.

ClinVar aggregate classification (germline): Uncertain significance (1 of 4 stars; one submission).

Allele frequency attached by ClinVar (database versions not stated): ExAC 0.00001; gnomAD exomes 0.00001; TOPMed 0.00001.
gnomAD v4.1: 6 of 1,605,728 alleles (0.00037%); highest among the groups gnomAD compares: Admixed American, 0.0035%; no homozygotes.

Submission:

Labcorp Genetics (formerly Invitae), Labcorp
Classification: Uncertain significance. Last evaluated: 2021-06-07. Review status: criteria provided, single submitter. Criteria: Invitae Variant Classification Sherloc (09022015). Collection method: clinical testing. Allele origin: germline.
Comment: This variant is present in population databases (rs747569024, ExAC 0.002%). This variant has not been reported in the literature in individuals with ERBIN-related conditions. Algorithms developed to predict the effect of missense changes on protein structure and function are either unavailable or do not agree on the potential impact of this missense change (SIFT: "Deleterious"; PolyPhen-2: "Probably Damaging"; Align-GVGD: "Class C0"). Algorithms developed to predict the effect of sequence changes on RNA splicing suggest that this variant may create or strengthen a splice site, but this prediction has not been confirmed by published transcriptional studies. In summary, the available evidence is currently insufficient to determine the role of this variant in disease. Therefore, it has been classified as a Variant of Uncertain Significance. This sequence change replaces arginine with glutamine at codon 10 of the ERBIN protein (p.Arg10Gln). The arginine residue is moderately conserved and there is a small physicochemical difference between arginine and glutamine.